The following is an entry in ClinVar:

ClinVar aggregate classification (germline): Uncertain significance (1 of 4 stars; one submission).

Conditions:
Mitochondrial complex II deficiency, nuclear type 1. Also called: SUCCINATE CoQ REDUCTASE DEFICIENCY. Identifiers: Orphanet 3208, MedGen C5700310, MONDO:0100294, OMIM 252011.
Pheochromocytoma/paraganglioma syndrome 5. Also called: Paragangliomas 5; SDHA-Related Hereditary Paraganglioma-Pheochromocytoma Syndrome. Identifiers: Orphanet 29072, MedGen C3279992, MONDO:0013602, OMIM 614165.

Submission:

Labcorp Genetics (formerly Invitae), Labcorp
Classification: Uncertain significance for Pheochromocytoma/paraganglioma syndrome 5; Mitochondrial complex II deficiency, nuclear type 1. Last evaluated: 2024-10-31. Review status: criteria provided, single submitter. Criteria: Invitae Variant Classification Sherloc (09022015). Collection method: clinical testing. Allele origin: germline.
Comment: This sequence change replaces valine, which is neutral and non-polar, with isoleucine, which is neutral and non-polar, at codon 101 of the SDHA protein (p.Val101Ile). This variant is not present in population databases (gnomAD no frequency). This variant has not been reported in the literature in individuals affected with SDHA-related conditions. Invitae Evidence Modeling of protein sequence and biophysical properties (such as structural, functional, and spatial information, amino acid conservation, physicochemical variation, residue mobility, and thermodynamic stability) indicates that this missense variant is not expected to disrupt SDHA protein function with a negative predictive value of 95%. In summary, the available evidence is currently insufficient to determine the role of this variant in disease. Therefore, it has been classified as a Variant of Uncertain Significance.

NM_004168.4(SDHA):c.301G>A (p.Val101Ile)

Gene: SDHA (succinate dehydrogenase complex flavoprotein subunit A; plus strand). Cytogenetic location: 5p15.33.
Variant type: single nucleotide variant.
Coding change: c.301G>A on transcript NM_004168.4 (MANE Select); coding-DNA position 301, G replaced by A.
Protein change: p.Val101Ile; replaces valine 101 with isoleucine.
Molecular consequence: missense variant.
Genome position (GRCh38, 1-based): chr5:224,510, G>A. VCF-style: chr5-224510-G-A. GRCh37 (hg19) VCF-style: chr5-224625-G-A.
Other names: c.301G>A, p.Val101Ile (NM_001294332.2, NM_001330758.2); short protein forms V101I.
Identifiers: ClinVar variation 3761716 (VCV003761716.2).
Genomic context (GRCh38, chr5:224,510, plus strand): 5'-TCTGAGGCAGGGTTTAATACAGCATGTGTTACCAAGCTGTTTCCTACCAGGTCACACACT[G>A]TTGCAGCACAGGTAAGAGAAAGGTGCCCCACTGTGCTCCCACTCCGTGCAGGTCCCGCGC-3'
Protein context (NP_004159.2, residues 91-111): TKLFPTRSHT[Val101Ile]AAQGGINAAL